The following is an entry in ClinVar:

ClinVar aggregate classification (germline): Uncertain significance. Review status: criteria provided, multiple submitters, no conflicts (2 of 4 stars). 2 submissions from 2 submitters: Uncertain significance (2). Last evaluated 2025-06-16.

Conditions:
Inborn genetic diseases. Identifiers: MedGen C0950123, MeSH D030342.
Short-rib thoracic dysplasia 11 with or without polydactyly (SRTD11). Also called: SHORT-RIB THORACIC DYSPLASIA 11 WITHOUT POLYDACTYLY. Identifiers: Orphanet 474, Orphanet 93271, MedGen C3810200, MONDO:0014287, OMIM 615633.

Allele frequency attached by ClinVar (database versions not stated): gnomAD 0.00008; gnomAD exomes 0.00008; ExAC 0.00009; TOPMed 0.00011; 1000 Genomes Project 30x 0.00016; 1000 Genomes Project 0.00020; ESP Exome Variant Server 0.00023.
gnomAD v4.1: 159 of 1,613,168 alleles (0.0099%); highest among the groups gnomAD compares: Middle Eastern, 0.12%; no homozygotes.

Submissions (2):

Ambry Genetics
Classification: Uncertain significance for Inborn genetic diseases. Last evaluated: 2025-06-16. Review status: criteria provided, single submitter. Criteria: Ambry Variant Classification Scheme 2023. Collection method: clinical testing. Allele origin: germline.

Labcorp Genetics (formerly Invitae), Labcorp
Classification: Uncertain significance for Short-rib thoracic dysplasia 11 with or without polydactyly. Last evaluated: 2023-11-27. Review status: criteria provided, single submitter. Criteria: Invitae Variant Classification Sherloc (09022015). Collection method: clinical testing. Allele origin: germline.
Comment: This sequence change replaces valine, which is neutral and non-polar, with methionine, which is neutral and non-polar, at codon 286 of the WDR34 protein (p.Val286Met). This variant is present in population databases (rs139569061, gnomAD 0.01%). This variant has not been reported in the literature in individuals affected with WDR34-related conditions. ClinVar contains an entry for this variant (Variation ID: 1681221). An algorithm developed to predict the effect of missense changes on protein structure and function (PolyPhen-2) suggests that this variant is likely to be disruptive. In summary, the available evidence is currently insufficient to determine the role of this variant in disease. Therefore, it has been classified as a Variant of Uncertain Significance.

NM_052844.4(DYNC2I2):c.856G>A (p.Val286Met)

Genes: DYNC2I2 (dynein 2 intermediate chain 2; minus strand), LOC126860772 (CDK7 strongly-dependent group 2 enhancer GRCh37_chr9:131396972-131398171; plus strand). Cytogenetic location: 9q34.11.
Variant type: single nucleotide variant.
Coding change: c.856G>A on transcript NM_052844.4 (MANE Select); coding-DNA position 856, G replaced by A.
Protein change: p.Val286Met; replaces valine 286 with methionine.
Molecular consequence: missense variant.
Genome position (GRCh38, 1-based): chr9:128,635,217, C>T on the plus strand (G>A on the coding strand, the complement: DYNC2I2 is on the minus strand). VCF-style: chr9-128635217-C-T. GRCh37 (hg19) VCF-style: chr9-131397496-C-T.
Other names: c.856G>A (NM_052844.3); short protein forms V286M.
Identifiers: ClinVar variation 1681221 (VCV001681221.6), dbSNP rs139569061, ClinGen allele CA5266435.